The following is an entry in ClinVar:

ClinVar aggregate classification (germline): Uncertain significance (1 of 4 stars; one submission).

Conditions:
Congenital disorder of glycosylation type Ir (CDG1R). Also called: DDOST-congenital disorder of glycosylation. Identifiers: Orphanet 300536, MedGen C3281084, MONDO:0013789, OMIM 614507.

Allele frequency attached by ClinVar (database versions not stated): gnomAD exomes below 0.00001; gnomAD 0.00004; TOPMed 0.00005; ESP Exome Variant Server 0.00008.
gnomAD v4.1: 8 of 1,561,732 alleles (0.00051%); highest among the groups gnomAD compares: African/African-American, 0.0095%; no homozygotes.

Submission:

Labcorp Genetics (formerly Invitae), Labcorp
Classification: Uncertain significance for Congenital disorder of glycosylation type Ir. Last evaluated: 2023-08-08. Review status: criteria provided, single submitter. Criteria: Invitae Variant Classification Sherloc (09022015). Collection method: clinical testing. Allele origin: germline.
Comment: In summary, the available evidence is currently insufficient to determine the role of this variant in disease. Therefore, it has been classified as a Variant of Uncertain Significance. Advanced modeling of protein sequence and biophysical properties (such as structural, functional, and spatial information, amino acid conservation, physicochemical variation, residue mobility, and thermodynamic stability) performed at Invitae indicates that this missense variant is not expected to disrupt DDOST protein function. This variant has not been reported in the literature in individuals affected with DDOST-related conditions. The frequency data for this variant in the population databases is considered unreliable, as metrics indicate poor data quality at this position in the gnomAD database. This sequence change replaces leucine, which is neutral and non-polar, with valine, which is neutral and non-polar, at codon 212 of the DDOST protein (p.Leu212Val).

NM_005216.5(DDOST):c.583C>G (p.Leu195Val)

Gene: DDOST (dolichyl-diphosphooligosaccharide--protein glycosyltransferase non-catalytic subunit; minus strand). Cytogenetic location: 1p36.12.
Variant type: single nucleotide variant.
Coding change: c.583C>G on transcript NM_005216.5 (MANE Select); coding-DNA position 583, C replaced by G.
Protein change: p.Leu195Val; replaces leucine 195 with valine.
Molecular consequence: missense variant.
Genome position (GRCh38, 1-based): chr1:20,654,676, G>C on the plus strand (C>G on the coding strand, the complement: DDOST is on the minus strand). VCF-style: chr1-20654676-G-C. GRCh37 (hg19) VCF-style: chr1-20981169-G-C.
Other names: short protein forms L195V.
Identifiers: ClinVar variation 3019775 (VCV003019775.3), dbSNP rs370790945, ClinGen allele CA18970258.